The following is an entry in ClinVar:

NM_024079.5(ALG8):c.1293C>G (p.Ile431Met)

Gene: ALG8 (ALG8 alpha-1,3-glucosyltransferase; minus strand). Cytogenetic location: 11q14.1.
Variant type: single nucleotide variant.
Coding change: c.1293C>G on transcript NM_024079.5 (MANE Select); coding-DNA position 1293, C replaced by G.
Protein change: p.Ile431Met; replaces isoleucine 431 with methionine.
Molecular consequence: missense variant.
Genome position (GRCh38, 1-based): chr11:78,104,036, G>C on the plus strand (C>G on the coding strand, the complement: ALG8 is on the minus strand). VCF-style: chr11-78104036-G-C. GRCh37 (hg19) VCF-style: chr11-77815082-G-C.
Other names: c.1293C>G, p.Ile431Met (NM_001007027.3); short protein forms I431M.
Identifiers: ClinVar variation 664953 (VCV000664953.9), dbSNP rs376704970, ClinGen allele CA224903696.

ClinVar aggregate classification (germline): Uncertain significance. Review status: criteria provided, multiple submitters, no conflicts (2 of 4 stars). 2 submissions from 2 submitters: Uncertain significance (2). Last evaluated 2022-04-20.

Conditions:
Polycystic liver disease 3 with or without kidney cysts. Identifiers: MedGen C4693472, MONDO:0054743, OMIM 617874.
ALG8 congenital disorder of glycosylation. Also called: CONGENITAL DISORDER OF GLYCOSYLATION, TYPE Ih; CDG Ih; ALG8-CDG. Identifiers: Orphanet 79325, MedGen C2931002, MONDO:0011969, OMIM 608104.

Allele frequency attached by ClinVar (database versions not stated): ESP Exome Variant Server 0.00008.

Submissions (2):

Fulgent Genetics
Classification: Uncertain significance for ALG8 congenital disorder of glycosylation; Polycystic liver disease 3 with or without kidney cysts. Last evaluated: 2022-04-20. Review status: criteria provided, single submitter. Criteria: ACMG Guidelines, 2015. Collection method: clinical testing. Allele origin: unknown.

Labcorp Genetics (formerly Invitae), Labcorp
Classification: Uncertain significance for ALG8 congenital disorder of glycosylation. Last evaluated: 2021-11-11. Review status: criteria provided, single submitter. Criteria: Invitae Variant Classification Sherloc (09022015). Collection method: clinical testing. Allele origin: germline.
Comment: ClinVar contains an entry for this variant (Variation ID: 664953). This variant has not been reported in the literature in individuals affected with ALG8-related conditions. This variant is not present in population databases (gnomAD no frequency). This sequence change replaces isoleucine, which is neutral and non-polar, with methionine, which is neutral and non-polar, at codon 431 of the ALG8 protein (p.Ile431Met). Algorithms developed to predict the effect of missense changes on protein structure and function are either unavailable or do not agree on the potential impact of this missense change (SIFT: "Tolerated"; PolyPhen-2: "Possibly Damaging"; Align-GVGD: "Class C0"). In summary, the available evidence is currently insufficient to determine the role of this variant in disease. Therefore, it has been classified as a Variant of Uncertain Significance.